The following is an entry in ClinVar:

ClinVar aggregate classification (germline): Uncertain significance (1 of 4 stars; one submission).

Allele frequency attached by ClinVar (database versions not stated): ExAC 0.00001; gnomAD 0.00002; TOPMed 0.00002.
gnomAD v4.1: 6 of 1,604,584 alleles (0.00037%); highest among the groups gnomAD compares: Admixed American, 0.01%; no homozygotes.

Submission:

Labcorp Genetics (formerly Invitae), Labcorp
Classification: Uncertain significance. Last evaluated: 2023-06-09. Review status: criteria provided, single submitter. Criteria: Invitae Variant Classification Sherloc (09022015). Collection method: clinical testing. Allele origin: germline.
Comment: This sequence change falls in intron 14 of the CAMTA1 gene. It does not directly change the encoded amino acid sequence of the CAMTA1 protein. It affects a nucleotide within the consensus splice site. This variant is present in population databases (rs762549303, gnomAD 0.01%). This variant has not been reported in the literature in individuals affected with CAMTA1-related conditions. ClinVar contains an entry for this variant (Variation ID: 1982271). Variants that disrupt the consensus splice site are a relatively common cause of aberrant splicing (PMID: 17576681, 9536098). Algorithms developed to predict the effect of sequence changes on RNA splicing suggest that this variant is not likely to affect RNA splicing. In summary, the available evidence is currently insufficient to determine the role of this variant in disease. Therefore, it has been classified as a Variant of Uncertain Significance.

Literature cited by the submitters: PubMed 17576681; PubMed 9536098.

NM_015215.4(CAMTA1):c.3342+5G>A

Gene: CAMTA1 (calmodulin binding transcription activator 1; plus strand). Cytogenetic location: 1p36.23.
Variant type: single nucleotide variant.
Coding change: c.3342+5G>A on transcript NM_015215.4 (MANE Select); 5 bases into the intron after coding-DNA position 3342, G replaced by A.
Molecular consequence: intron variant.
Genome position (GRCh38, 1-based): chr1:7,737,014, G>A. VCF-style: chr1-7737014-G-A. GRCh37 (hg19) VCF-style: chr1-7797074-G-A.
Other names: c.3342+5G>A (NM_001349609.2, NM_001349610.2); c.3252+5G>A (NM_001349608.2, NM_001349612.2); c.414+5G>A (NM_001349614.1, NM_001349620.1, NM_001349621.1 and 10 more transcripts); c.471+5G>A (NM_001349613.1).
Identifiers: ClinVar variation 1982271 (VCV001982271.4), dbSNP rs762549303, ClinGen allele CA566903.